The following is an entry in ClinVar:

ClinVar aggregate classification (germline): Benign. Review status: criteria provided, single submitter (1 of 4 stars). 2 submissions from 2 submitters: Benign (1). 1 of the submissions does not count toward it. Last evaluated 2025-07-25.

Conditions:
RNF213-related disorder. Also called: RNF213-related condition.

Allele frequency attached by ClinVar (database versions not stated): gnomAD exomes 0.00005; ExAC 0.00024; gnomAD 0.00070; TOPMed 0.00080; 1000 Genomes Project 30x 0.00094; 1000 Genomes Project 0.00100; ESP Exome Variant Server 0.00138.
gnomAD v4.1: 187 of 1,614,232 alleles (0.012%); highest among the groups gnomAD compares: African/African-American, 0.23%; no homozygotes.

Submissions (2):

Labcorp Genetics (formerly Invitae), Labcorp
Classification: Benign. Last evaluated: 2025-07-25. Review status: criteria provided, single submitter. Criteria: Invitae Variant Classification Sherloc (09022015). Collection method: clinical testing. Allele origin: germline.

PreventionGenetics, part of Exact Sciences
Classification: Likely benign for RNF213-related condition. Last evaluated: 2023-12-21. Review status: no assertion criteria provided. Collection method: clinical testing. Allele origin: germline. Not counted in ClinVar's aggregate classification.
Comment: This variant is classified as likely benign based on ACMG/AMP sequence variant interpretation guidelines (Richards et al. 2015 PMID: 25741868, with internal and published modifications).

NM_001256071.3(RNF213):c.14763C>T (p.Ile4921=)

Genes: RNF213 (ring finger protein 213; plus strand), RNF213-AS1 (RNF213 antisense RNA 1; minus strand). Cytogenetic location: 17q25.3.
Variant type: single nucleotide variant.
Coding change: c.14763C>T on transcript NM_001256071.3 (MANE Select); coding-DNA position 14763, C replaced by T.
Protein change: p.Ile4921=; no amino-acid change (isoleucine 4921 retained).
Molecular consequence: synonymous variant.
Genome position (GRCh38, 1-based): chr17:80,386,732, C>T. VCF-style: chr17-80386732-C-T. GRCh37 (hg19) VCF-style: chr17-78360532-C-T.
Other names: c.14910C>T, p.Ile4970= (NM_001410195.1, NM_020914.5).
Identifiers: ClinVar variation 3047106 (VCV003047106.3), dbSNP rs142018990, ClinGen allele CA8823081.